The following is an entry in ClinVar:

ClinVar aggregate classification (germline): Uncertain significance. Review status: criteria provided, multiple submitters, no conflicts (2 of 4 stars). 2 submissions from 2 submitters: Uncertain significance (2). Last evaluated 2025-07-16.

Conditions:
Inborn genetic diseases. Identifiers: MedGen C0950123, MeSH D030342.

Allele frequency attached by ClinVar (database versions not stated): gnomAD exomes below 0.00001 and 0.00001.
gnomAD v4.1: 2 of 1,614,180 alleles (0.00012%); highest among the groups gnomAD compares: Admixed American, 0.0033%; no homozygotes.

Submissions (2):

Ambry Genetics
Classification: Uncertain significance for Inborn genetic diseases. Last evaluated: 2025-07-16. Review status: criteria provided, single submitter. Criteria: Ambry Variant Classification Scheme 2023. Collection method: clinical testing. Allele origin: germline.

Labcorp Genetics (formerly Invitae), Labcorp
Classification: Uncertain significance. Last evaluated: 2022-07-26. Review status: criteria provided, single submitter. Criteria: Invitae Variant Classification Sherloc (09022015). Collection method: clinical testing. Allele origin: germline.
Comment: In summary, the available evidence is currently insufficient to determine the role of this variant in disease. Therefore, it has been classified as a Variant of Uncertain Significance. Algorithms developed to predict the effect of missense changes on protein structure and function output the following: SIFT: "Tolerated"; PolyPhen-2: "Benign"; Align-GVGD: "Class C0". The arginine amino acid residue is found in multiple mammalian species, which suggests that this missense change does not adversely affect protein function. This sequence change replaces glycine, which is neutral and non-polar, with arginine, which is basic and polar, at codon 1544 of the GPR179 protein (p.Gly1544Arg). This variant is present in population databases (no rsID available, gnomAD 0.006%). This variant has not been reported in the literature in individuals affected with GPR179-related conditions. ClinVar contains an entry for this variant (Variation ID: 1523646).

NM_001004334.4(GPR179):c.4630G>A (p.Gly1544Arg)

Gene: GPR179 (G protein-coupled receptor 179; minus strand). Cytogenetic location: 17q12.
Variant type: single nucleotide variant.
Coding change: c.4630G>A on transcript NM_001004334.4 (MANE Select); coding-DNA position 4630, G replaced by A.
Protein change: p.Gly1544Arg; replaces glycine 1544 with arginine.
Molecular consequence: missense variant.
Genome position (GRCh38, 1-based): chr17:38,328,939, C>T on the plus strand (G>A on the coding strand, the complement: GPR179 is on the minus strand). VCF-style: chr17-38328939-C-T. GRCh37 (hg19) VCF-style: chr17-36484822-C-T.
Other names: c.4630G>A (NM_001004334.2); short protein forms G1544R.
Identifiers: ClinVar variation 1523646 (VCV001523646.7), dbSNP rs1408214716, ClinGen allele CA398876453.